The following is an entry in ClinVar:

ClinVar aggregate classification (germline): Likely benign. Review status: criteria provided, multiple submitters, no conflicts (2 of 4 stars). 3 submissions from 3 submitters: Likely benign (3). Last evaluated 2025-12-13.

Conditions:
Beckwith-Wiedemann syndrome (BWS). Also called: EMG SYNDROME; Exomphalos macroglossia gigantism syndrome. Identifiers: Orphanet 116, MedGen C0004903, MONDO:0007534, OMIM 130650.
CDKN1C-related disorder. Also called: CDKN1C-related condition.

Submissions (3):

Labcorp Genetics (formerly Invitae), Labcorp
Classification: Likely benign for Beckwith-Wiedemann syndrome. Last evaluated: 2025-12-13. Review status: criteria provided, single submitter. Criteria: Invitae Variant Classification Sherloc (09022015). Collection method: clinical testing. Allele origin: germline.

PreventionGenetics, part of Exact Sciences
Classification: Likely benign for CDKN1C-related condition. Last evaluated: 2025-11-13. Review status: criteria provided, single submitter. Criteria: ACMG Guidelines, 2015. Collection method: clinical testing. Allele origin: germline.
Comment: This variant is classified as likely benign based on ACMG/AMP sequence variant interpretation guidelines (Richards et al. 2015 PMID: 25741868, with internal and published modifications).

CeGaT Center for Human Genetics Tuebingen
Classification: Likely benign. Last evaluated: 2024-06-01. Review status: criteria provided, single submitter. Criteria: CeGaT Center For Human Genetics Tuebingen Variant Classification Criteria Version 2. Collection method: clinical testing. Allele origin: germline. Affected: yes. Observed: 2 variant alleles.
Comment: CDKN1C: BS1

NM_001122630.2(CDKN1C):c.461_466del (p.Val154_Ala155del)

Gene: CDKN1C (cyclin dependent kinase inhibitor 1C; minus strand). Cytogenetic location: 11p15.4.
Variant type: Deletion.
Coding change: c.461_466del on transcript NM_001122630.2 (MANE Select); coding-DNA positions 461 to 466, 6 bases deleted (TCGCGG; older notation c.461_466delTCGCGG).
Protein change: p.Val154_Ala155del.
Molecular consequence: inframe deletion. On other transcripts: intron variant (1).
Genome position (GRCh38, 1-based): chr11:2,884,991-2,884,996, CCGCGA deleted on the plus strand (TCGCGG on the coding strand, the reverse complement: CDKN1C is on the minus strand); deleting any 6 consecutive bases within chr11:2,884,991-2,884,999 gives the same sequence; the c. name uses the placement nearest the transcript's 3' end. VCF-style (leftmost placement, unchanged base first): chr11-2884990-GCCGCGA-G. GRCh37 (hg19) VCF-style: chr11-2906220-GCCGCGA-G.
Other names: c.494_499del, p.Val165_Ala166del (LRG_533t1, NM_000076.2, NM_001362474.2); c.494_499del6 (NM_000076.2); c.461_466del, p.Val154_Ala155del (NM_001122631.2); c.255+206_255+211del (NM_001362475.2); c.494_499delTCGCGG (NM_000076.2).
Identifiers: ClinVar variation 236953 (VCV000236953.33), dbSNP rs878853627, ClinGen allele CA10582906.
Genomic context (GRCh38, chr11:2,884,990, plus strand): 5'-GCCGGAGCCGGGGCCGGGGCCGGGGCCAGGACCGCGACCGCGACCGGAGCCGCGACCGGA[GCCGCGA>G]CCGGAGCCGGAGCCGGGGCCGGGGCTGGAGCCAGGACCGGGACTGGGGGCGGGGTGGACG-3'